The following is an entry in ClinVar:

ClinVar aggregate classification (germline): Conflicting classifications of pathogenicity. Review status: criteria provided, conflicting classifications (1 of 4 stars). 3 submissions from 3 submitters: Uncertain significance (1); Likely benign (1). 1 of the submissions does not count toward it. Last evaluated 2025-09-24.

Conditions:
Cardiovascular phenotype. Identifiers: MedGen CN230736.
Alstrom syndrome (ALMS). Identifiers: Orphanet 64, MedGen C0268425, MONDO:0008763, OMIM 203800.

Allele frequency attached by ClinVar (database versions not stated): gnomAD 0.00001; gnomAD exomes 0.00001 and 0.00002; ExAC 0.00002; TOPMed 0.00003; ESP Exome Variant Server 0.00008.
gnomAD v4.1: 5 of 1,613,874 alleles (0.00031%); highest among the groups gnomAD compares: African/African-American, 0.0067%; no homozygotes.

Submissions (3):

Ambry Genetics
Classification: Likely benign for Cardiovascular phenotype. Last evaluated: 2025-09-24. Review status: criteria provided, single submitter. Criteria: Ambry Variant Classification Scheme 2023. Collection method: clinical testing. Allele origin: germline.

Labcorp Genetics (formerly Invitae), Labcorp
Classification: Uncertain significance for Alstrom syndrome. Last evaluated: 2024-01-15. Review status: criteria provided, single submitter. Criteria: Invitae Variant Classification Sherloc (09022015). Collection method: clinical testing. Allele origin: germline.
Comment: This sequence change replaces isoleucine, which is neutral and non-polar, with threonine, which is neutral and polar, at codon 2032 of the ALMS1 protein (p.Ile2032Thr). This variant is present in population databases (rs374673974, gnomAD 0.03%). This variant has not been reported in the literature in individuals affected with ALMS1-related conditions. ClinVar contains an entry for this variant (Variation ID: 553771). Experimental studies and prediction algorithms are not available or were not evaluated, and the functional significance of this variant is currently unknown. In summary, the available evidence is currently insufficient to determine the role of this variant in disease. Therefore, it has been classified as a Variant of Uncertain Significance.

Counsyl
Classification: Uncertain significance for Alstrom syndrome. Last evaluated: 2017-09-06. Review status: no assertion criteria provided. Collection method: clinical testing. Allele origin: unknown. Not counted in ClinVar's aggregate classification.

NM_001378454.1(ALMS1):c.6092T>C (p.Ile2031Thr)

Gene: ALMS1 (ALMS1 centrosome and basal body associated protein; plus strand). Cytogenetic location: 2p13.1.
Variant type: single nucleotide variant.
Coding change: c.6092T>C on transcript NM_001378454.1 (MANE Select); coding-DNA position 6092, T replaced by C.
Protein change: p.Ile2031Thr; replaces isoleucine 2031 with threonine.
Molecular consequence: missense variant.
Genome position (GRCh38, 1-based): chr2:73,452,619, T>C. VCF-style: chr2-73452619-T-C. GRCh37 (hg19) VCF-style: chr2-73679746-T-C.
Other names: c.6095T>C, p.Ile2032Thr (NM_015120.4); short protein forms I2032T, I2031T.
Identifiers: ClinVar variation 553771 (VCV000553771.9), dbSNP rs374673974, ClinGen allele CA1714004.